The following is an entry in ClinVar:

ClinVar aggregate classification (germline): Benign/Likely benign. Review status: criteria provided, multiple submitters, no conflicts (2 of 4 stars). 2 submissions from 2 submitters: Benign (1); Likely benign (1). Last evaluated 2026-01-27.

Conditions:
Lynch syndrome 5 (LYNCH5). Also called: Colorectal cancer, hereditary nonpolyposis, type 5; Hereditary non-polyposis colorectal cancer, type 5. Identifiers: Orphanet 144, MedGen C1833477, MONDO:0013710, OMIM 614350. Disease mechanism: loss of function.
Hereditary nonpolyposis colorectal neoplasms. Identifiers: MedGen C0009405, MeSH D003123.

Submissions (2):

Labcorp Genetics (formerly Invitae), Labcorp
Classification: Likely benign for Hereditary nonpolyposis colorectal neoplasms. Last evaluated: 2026-01-27. Review status: criteria provided, single submitter. Criteria: Invitae Variant Classification Sherloc (09022015). Collection method: clinical testing. Allele origin: germline.

Myriad Genetics, Inc.
Classification: Benign for Lynch syndrome 5. Last evaluated: 2025-01-03. Review status: criteria provided, single submitter. Criteria: Myriad Autosomal Dominant, Autosomal Recessive and X-Linked Classification Criteria (2023). Collection method: clinical testing. Allele origin: unknown.
Comment: This variant is considered benign. This variant is a silent/synonymous amino acid change and it is not expected to impact splicing.

NM_000179.3(MSH6):c.3132C>T (p.Tyr1044=)

Gene: MSH6 (mutS homolog 6; plus strand). Cytogenetic location: 2p16.3.
Variant type: single nucleotide variant.
Coding change: c.3132C>T on transcript NM_000179.3 (MANE Select); coding-DNA position 3132, C replaced by T.
Protein change: p.Tyr1044=; no amino-acid change (tyrosine 1044 retained).
Molecular consequence: synonymous variant. On other transcripts: non-coding transcript variant (5), intron variant (2).
Genome position (GRCh38, 1-based): chr2:47,801,115, C>T. VCF-style: chr2-47801115-C-T. GRCh37 (hg19) VCF-style: chr2-48028254-C-T.
Other names: c.2742C>T, p.Tyr914= (NM_001281492.2); c.2226C>T, p.Tyr742= (NM_001281493.2, NM_001281494.2, NM_001406811.1 and 6 more transcripts); c.3228C>T, p.Tyr1076= (NM_001406795.1, NM_001406802.1); c.3132C>T, p.Tyr1044= (NM_001406796.1, NM_001406798.1, NM_001406800.1 and 2 more transcripts); c.2835C>T, p.Tyr945= (NM_001406797.1, NM_001406801.1, NM_001406805.1 and 10 more transcripts); c.2607C>T, p.Tyr869= (NM_001406799.1, NM_001406806.1, NM_001406807.1); c.3054C>T, p.Tyr1018= (NM_001406804.1); c.3138C>T, p.Tyr1046= (NM_001406813.1); and 4 more.
Identifiers: ClinVar variation 3000968 (VCV003000968.4), dbSNP rs1669552731, ClinGen allele CA426122013.